The following is an entry in ClinVar:

ClinVar aggregate classification (germline): Uncertain significance (1 of 4 stars; one submission).

gnomAD v4.1: 25 of 1,614,002 alleles (0.0015%); highest among the groups gnomAD compares: Non-Finnish European, 0.0019%; no homozygotes.

Submission:

Labcorp Genetics (formerly Invitae), Labcorp
Classification: Uncertain significance. Last evaluated: 2025-05-11. Review status: criteria provided, single submitter. Criteria: Invitae Variant Classification Sherloc (09022015). Collection method: clinical testing. Allele origin: germline.
Comment: This sequence change replaces leucine, which is neutral and non-polar, with methionine, which is neutral and non-polar, at codon 1007 of the FOCAD protein (p.Leu1007Met). This variant is present in population databases (rs768123684, gnomAD 0.002%). This variant has not been reported in the literature in individuals affected with FOCAD-related conditions. Experimental studies and prediction algorithms are not available or were not evaluated, and the functional significance of this variant is currently unknown. In summary, the available evidence is currently insufficient to determine the role of this variant in disease. Therefore, it has been classified as a Variant of Uncertain Significance.

NM_001375567.1(FOCAD):c.3019T>A (p.Leu1007Met)

Gene: FOCAD (focadhesin; plus strand). Cytogenetic location: 9p21.3.
Variant type: single nucleotide variant.
Coding change: c.3019T>A on transcript NM_001375567.1 (MANE Select); coding-DNA position 3019, T replaced by A.
Protein change: p.Leu1007Met; replaces leucine 1007 with methionine.
Molecular consequence: missense variant.
Genome position (GRCh38, 1-based): chr9:20,926,358, T>A. VCF-style: chr9-20926358-T-A. GRCh37 (hg19) VCF-style: chr9-20926357-T-A.
Other names: c.2914T>A, p.Leu972Met (NM_001375568.1, NM_001375570.1); c.3019T>A, p.Leu1007Met (NM_017794.5); short protein forms L1007M, L972M.
Identifiers: ClinVar variation 4693635 (VCV004693635.1).
Genomic context (GRCh38, chr9:20,926,358, plus strand): 5'-CAGGTTCAACCTAATTTCCTTTCAATGAAAGAGTGGGTTTCCATGGTACTTGATACACTC[T>A]TGGTCATTGTGGATAGCCATTACCAACCCAGAGGGCAACTTCTCTCCTGGTTTTATTATG-3'
Protein context (NP_001362496.1, residues 997-1017): EWVSMVLDTL[Leu1007Met]VIVDSHYQPR